The following is an entry in ClinVar:

NM_030773.4(TUBB1):c.965C>T (p.Ser322Phe)

Gene: TUBB1 (tubulin beta 1 class VI; plus strand). Cytogenetic location: 20q13.32.
Variant type: single nucleotide variant.
Coding change: c.965C>T on transcript NM_030773.4 (MANE Select); coding-DNA position 965, C replaced by T.
Protein change: p.Ser322Phe; replaces serine 322 with phenylalanine.
Molecular consequence: missense variant.
Genome position (GRCh38, 1-based): chr20:59,024,392, C>T. VCF-style: chr20-59024392-C-T. GRCh37 (hg19) VCF-style: chr20-57599447-C-T.
Other names: short protein forms S322F.
Identifiers: ClinVar variation 1312767 (VCV001312767.10), dbSNP rs147941536, ClinGen allele CA9928629.

ClinVar aggregate classification (germline): Uncertain significance. Review status: criteria provided, multiple submitters, no conflicts (2 of 4 stars). 6 submissions from 6 submitters: Uncertain significance (6). Last evaluated 2026-06-15.

Conditions:
Macrothrombocytopenia, isolated, 1, autosomal dominant (MACTHC1). Also called: Autosomal dominant macrothrombocytopenia TUBB1-related. Identifiers: Orphanet 140957, MedGen C5676892, MONDO:0800047, OMIM 613112.

Allele frequency attached by ClinVar (database versions not stated): gnomAD exomes 0.00001 and 0.00003; ExAC 0.00002; gnomAD 0.00011 and 0.00012; TOPMed 0.00017; ESP Exome Variant Server 0.00023.

Submissions (6):

Women's Health and Genetics/Laboratory Corporation of America, LabCorp
Classification: Uncertain significance. Last evaluated: 2026-06-15. Review status: criteria provided, single submitter. Criteria: LabCorp Variant Classification Summary - May 2015. Collection method: clinical testing. Allele origin: germline.
Comment: Variant summary: TUBB1 c.965C>T (p.Ser322Phe) results in a non-conservative amino acid change in the encoded protein sequence. Algorithms developed to predict the effect of missense changes on protein structure and function all suggest that this variant is likely to be disruptive. The variant allele was found at a frequency of 3.2e-05 in 251376 control chromosomes, predominantly at a frequency of 0.00049 within the African or African-American subpopulation in the gnomAD database. The available data on variant occurrences in the general population are insufficient to allow any conclusion about variant significance. To our knowledge, no occurrence of c.965C>T in individuals affected with TUBB1-related conditions and no experimental evidence demonstrating its impact on protein function have been reported. ClinVar contains an entry for this variant (Variation ID: 1312767). Based on the evidence outlined above, the variant was classified as uncertain significance.

Labcorp Genetics (formerly Invitae), Labcorp
Classification: Uncertain significance. Last evaluated: 2026-01-21. Review status: criteria provided, single submitter. Criteria: Invitae Variant Classification Sherloc (09022015). Collection method: clinical testing. Allele origin: germline.
Comment: This sequence change replaces serine, which is neutral and polar, with phenylalanine, which is neutral and non-polar, at codon 322 of the TUBB1 protein (p.Ser322Phe). This variant is present in population databases (rs147941536, gnomAD 0.05%). This variant has not been reported in the literature in individuals affected with TUBB1-related conditions. ClinVar contains an entry for this variant (Variation ID: 1312767). Invitae Evidence Modeling of protein sequence and biophysical properties (such as structural, functional, and spatial information, amino acid conservation, physicochemical variation, residue mobility, and thermodynamic stability) indicates that this missense variant is not expected to disrupt TUBB1 protein function with a negative predictive value of 80%. In summary, the available evidence is currently insufficient to determine the role of this variant in disease. Therefore, it has been classified as a Variant of Uncertain Significance.

Blueprint Genetics
Classification: Uncertain significance. Last evaluated: 2024-11-13. Review status: criteria provided, single submitter. Criteria: ACMG Guidelines, 2015. Collection method: clinical testing. Allele origin: germline.

Fulgent Genetics
Classification: Uncertain significance for Macrothrombocytopenia, isolated, 1, autosomal dominant. Last evaluated: 2021-08-04. Review status: criteria provided, single submitter. Criteria: ACMG Guidelines, 2015. Collection method: clinical testing. Allele origin: unknown.

GeneDx
Classification: Uncertain significance. Last evaluated: 2020-07-27. Review status: criteria provided, single submitter. Criteria: GeneDx Variant Classification Process June 2021. Collection method: clinical testing. Allele origin: germline. Affected: yes.
Comment: In silico analysis supports that this missense variant has a deleterious effect on protein structure/function; Has not been previously published as pathogenic or benign to our knowledge

Breakthrough Genomics
Classification: Uncertain significance. Review status: criteria provided, single submitter. Criteria: ACMG Guidelines, 2015. Collection method: not provided. Allele origin: germline. Inheritance: Autosomal dominant inheritance. Affected: yes.